The following is an entry in ClinVar:

NM_020631.6(PLEKHG5):c.1932T>C (p.Pro644=)

Gene: PLEKHG5 (pleckstrin homology and RhoGEF domain containing G5; minus strand). Cytogenetic location: 1p36.31.
Variant type: single nucleotide variant.
Coding change: c.1932T>C on transcript NM_020631.6 (MANE Select); coding-DNA position 1932, T replaced by C.
Protein change: p.Pro644=; no amino-acid change (proline 644 retained).
Molecular consequence: synonymous variant.
Genome position (GRCh38, 1-based): chr1:6,469,545, A>G on the plus strand (T>C on the coding strand, the complement: PLEKHG5 is on the minus strand). VCF-style: chr1-6469545-A-G. GRCh37 (hg19) VCF-style: chr1-6529605-A-G.
Other names: p.Pro644=; c.1932T>C (NM_020631.5); c.2043T>C, p.Pro681= (NM_001042663.3, NM_001265592.2); c.1932T>C, p.Pro644= (NM_001042664.2, NM_001042665.2, NM_001265594.3 and 1 more transcripts); c.2139T>C, p.Pro713= (NM_001265593.2).
Identifiers: ClinVar variation 194777 (VCV000194777.64), dbSNP rs150807400, ClinGen allele CA240946.

ClinVar aggregate classification (germline): Conflicting classifications of pathogenicity. Review status: criteria provided, conflicting classifications (1 of 4 stars). 7 submissions from 7 submitters: Uncertain significance (2); Likely benign (5). Last evaluated 2026-01-24.

Conditions:
Neuronopathy, distal hereditary motor, autosomal recessive 4. Also called: Autosomal recessive lower motor neuron disease with childhood onset; NEUROPATHY, DISTAL HEREDITARY MOTOR, AUTOSOMAL RECESSIVE 4. Identifiers: Orphanet 206580, MedGen C1970211, MONDO:0012608, OMIM 611067.
Charcot-Marie-Tooth disease recessive intermediate C. Also called: CHARCOT-MARIE-TOOTH NEUROPATHY, RECESSIVE INTERMEDIATE C. Identifiers: Orphanet 369867, MedGen C3809309, MONDO:0014154, OMIM 615376.

Allele frequency attached by ClinVar (database versions not stated): gnomAD exomes 0.00013 and 0.00034; 1000 Genomes Project 30x 0.00031; ExAC 0.00036; 1000 Genomes Project 0.00040; gnomAD 0.00142 and 0.00156; ESP Exome Variant Server 0.00154; TOPMed 0.00160.
gnomAD v4.1: 418 of 1,613,846 alleles (0.026%); highest among the groups gnomAD compares: African/African-American, 0.51%; no homozygotes.

Submissions (7):

Labcorp Genetics (formerly Invitae), Labcorp
Classification: Likely benign for Neuronopathy, distal hereditary motor, autosomal recessive 4; Charcot-Marie-Tooth disease recessive intermediate C. Last evaluated: 2026-01-24. Review status: criteria provided, single submitter. Criteria: Invitae Variant Classification Sherloc (09022015). Collection method: clinical testing. Allele origin: germline.

Mayo Clinic Laboratories, Mayo Clinic
Classification: Likely benign. Last evaluated: 2025-03-17. Review status: criteria provided, single submitter. Criteria: ACMG Guidelines, 2015. Collection method: clinical testing. Allele origin: germline. Observed: 3 variant alleles.
Comment: BS1, BP4, BP7

Blueprint Genetics
Classification: Likely benign. Last evaluated: 2024-04-22. Review status: criteria provided, single submitter. Criteria: ACMG Guidelines, 2015. Collection method: clinical testing. Allele origin: germline.

GeneDx
Classification: Likely benign. Last evaluated: 2020-11-30. Review status: criteria provided, single submitter. Criteria: GeneDx Variant Classification Process June 2021. Collection method: clinical testing. Allele origin: germline. Affected: yes.

ARUP Laboratories, Molecular Genetics and Genomics, ARUP Laboratories
Classification: Likely benign. Last evaluated: 2019-12-18. Review status: criteria provided, single submitter. Criteria: ARUP Molecular Germline Variant Investigation Process. Collection method: clinical testing. Allele origin: germline.

Center for Pediatric Genomic Medicine, Children's Mercy Hospital and Clinics
Classification: Uncertain significance. Last evaluated: 2016-09-08. Review status: criteria provided, single submitter. Criteria: ACMG Guidelines, 2015. Collection method: clinical testing. Allele origin: germline.
ClinVar note: Converted during submission from Uncertain Significance to Uncertain significance.

Eurofins Ntd Llc (ga)
Classification: Uncertain significance. Last evaluated: 2015-02-12. Review status: criteria provided, single submitter. Criteria: EGL Classification Definitions 2015. Collection method: clinical testing. Allele origin: germline. Observed: 3 variant alleles, 3 heterozygotes.